The following is an entry in ClinVar:

NM_022455.5(NSD1):c.7353A>G (p.Arg2451=)

Gene: NSD1 (nuclear receptor binding SET domain protein 1; plus strand). Cytogenetic location: 5q35.3.
Variant type: single nucleotide variant.
Coding change: c.7353A>G on transcript NM_022455.5 (MANE Select); coding-DNA position 7353, A replaced by G.
Protein change: p.Arg2451=; no amino-acid change (arginine 2451 retained).
Molecular consequence: synonymous variant.
Genome position (GRCh38, 1-based): chr5:177,294,721, A>G. VCF-style: chr5-177294721-A-G. GRCh37 (hg19) VCF-style: chr5-176721722-A-G.
Other names: c.6480A>G, p.Arg2160= (NM_001365684.2, NM_001409308.1, NM_172349.5); c.7353A>G, p.Arg2451= (NM_001409301.1, NM_001409302.1, NM_001409303.1); c.6933A>G, p.Arg2311= (NM_001409304.1); c.6600A>G, p.Arg2200= (NM_001409305.1); c.6591A>G, p.Arg2197= (NM_001409306.1, NM_001409307.1); c.6231A>G, p.Arg2077= (NM_001409309.1).
Identifiers: ClinVar variation 3725263 (VCV003725263.4).
Genomic context (GRCh38, chr5:177,294,721, plus strand): 5'-CCTTGTAGCTAAAGAAAAAGCACTGAGGCCTGTGGACCAGAATACTCAGTCAAAAAATAG[A>G]GCTGCTTTGGTGATGGATCTCATAGACCTAACTCCTCGCCAGAAGGAGCGGGCAGCTTCA-3'
Protein context (NP_071900.2, residues 2441-2461): PVDQNTQSKN[Arg2451=]AALVMDLIDL

ClinVar aggregate classification (germline): Likely benign. Review status: criteria provided, multiple submitters, no conflicts (2 of 4 stars). 2 submissions from 2 submitters: Likely benign (2). Last evaluated 2025-04-04.

gnomAD v4.1: 5 of 1,614,110 alleles (0.00031%); highest among the groups gnomAD compares: African/African-American, 0.0013%; no homozygotes.

Submissions (2):

Women's Health and Genetics/Laboratory Corporation of America, LabCorp
Classification: Likely benign. Last evaluated: 2025-04-04. Review status: criteria provided, single submitter. Criteria: LabCorp Variant Classification Summary - May 2015. Collection method: clinical testing. Allele origin: germline.
Comment: Variant summary: NSD1 c.7353A>G alters a non-conserved nucleotide resulting in a synonymous change. Consensus agreement among computation tools predict no significant impact on normal splicing. However, these predictions have yet to be confirmed by functional studies. The variant allele was found at a frequency of 4e-06 in 251300 control chromosomes. The available data on variant occurrences in the general population are insufficient to allow any conclusion about variant significance. To our knowledge, no occurrence of c.7353A>G in individuals affected with Sotos Syndrome and no experimental evidence demonstrating its impact on protein function have been reported. ClinVar contains an entry for this variant (Variation ID: 3725263). Based on the evidence outlined above, the variant was classified as likely benign.

Labcorp Genetics (formerly Invitae), Labcorp
Classification: Likely benign. Last evaluated: 2023-06-20. Review status: criteria provided, single submitter. Criteria: Invitae Variant Classification Sherloc (09022015). Collection method: clinical testing. Allele origin: germline.